The following is an entry in ClinVar:

NM_001110556.2(FLNA):c.3567C>T (p.Gly1189=)

Gene: FLNA (filamin A; minus strand). Cytogenetic location: Xq28.
Variant type: single nucleotide variant.
Coding change: c.3567C>T on transcript NM_001110556.2 (MANE Select); coding-DNA position 3567, C replaced by T.
Protein change: p.Gly1189=; no amino-acid change (glycine 1189 retained).
Molecular consequence: synonymous variant.
Genome position (GRCh38, 1-based): chrX:154,360,228, G>A on the plus strand (C>T on the coding strand, the complement: FLNA is on the minus strand). VCF-style: chrX-154360228-G-A. GRCh37 (hg19) VCF-style: chrX-153588596-G-A.
Other names: c.3567C>T (NM_001110556.1); c.3567C>T, p.Gly1189= (NM_001456.4).
Identifiers: ClinVar variation 1928211 (VCV001928211.7), dbSNP rs1557177732, ClinGen allele CA519708283.

ClinVar aggregate classification (germline): Likely benign. Review status: criteria provided, single submitter (1 of 4 stars). 2 submissions from 2 submitters: Likely benign (1). 1 of the submissions does not count toward it. Last evaluated 2024-04-03.

Conditions:
FLNA-related disorder.
Heterotopia, periventricular, X-linked dominant (PVNH1). Also called: PERIVENTRICULAR NODULAR HETEROTOPIA 4; HETEROTOPIA, PERIVENTRICULAR, 1; PERIVENTRICULAR NODULAR HETEROTOPIA 1; X-linked periventricular heterotopia. Identifiers: Orphanet 2149, Orphanet 82004, MedGen C1848213, MONDO:0010233, OMIM 300049.
Melnick-Needles syndrome (MNS). Also called: Melnick-Needles Syndrome (FLNA-MNS); MELNICK-NEEDLES OSTEODYSPLASTY; OSTEODYSPLASTY OF MELNICK AND NEEDLES. Identifiers: Orphanet 2484, MedGen C0025237, MONDO:0010650, OMIM 309350.
Frontometaphyseal dysplasia (FMD1). Identifiers: Orphanet 1826, MedGen C0265293, MONDO:0015942.
Oto-palato-digital syndrome, type II (OPD2). Also called: Otopalatodigital Syndrome Type 2 (FLNA-OPD2); FACIOPALATOOSSEOUS SYNDROME; OPD II SYNDROME; Otopalatodigital Syndrome, Type II. Identifiers: Orphanet 669, Orphanet 90652, MedGen C1844696, MONDO:0010571, OMIM 304120.

Allele frequency attached by ClinVar (database versions not stated): gnomAD exomes below 0.00001.
gnomAD v4.1: 1 of 1,211,623 alleles (0.000083%); highest among the groups gnomAD compares: Non-Finnish European, 0.00011%; no homozygotes.

Submissions (2):

Labcorp Genetics (formerly Invitae), Labcorp
Classification: Likely benign for Oto-palato-digital syndrome, type II; Heterotopia, periventricular, X-linked dominant; Frontometaphyseal dysplasia; Melnick-Needles syndrome. Last evaluated: 2024-04-03. Review status: criteria provided, single submitter. Criteria: Invitae Variant Classification Sherloc (09022015). Collection method: clinical testing. Allele origin: germline.

PreventionGenetics, part of Exact Sciences
Classification: Likely benign for FLNA-related condition. Last evaluated: 2022-05-23. Review status: no assertion criteria provided. Collection method: clinical testing. Allele origin: germline. Not counted in ClinVar's aggregate classification.
Comment: This variant is classified as likely benign based on ACMG/AMP sequence variant interpretation guidelines (Richards et al. 2015 PMID: 25741868, with internal and published modifications).